The following is an entry in ClinVar:

ClinVar aggregate classification (germline): Uncertain significance (1 of 4 stars; one submission).

Allele frequency attached by ClinVar (database versions not stated): gnomAD 0.00005 and 0.00009; ESP Exome Variant Server 0.00008; ExAC 0.00009; gnomAD exomes 0.00011 and 0.00014; TOPMed 0.00015; 1000 Genomes Project 0.00020; 1000 Genomes Project 30x 0.00047.
gnomAD v4.1: 188 of 1,613,800 alleles (0.012%); highest among the groups gnomAD compares: Middle Eastern, 0.15%; no homozygotes.

Submission:

Labcorp Genetics (formerly Invitae), Labcorp
Classification: Uncertain significance. Last evaluated: 2025-10-12. Review status: criteria provided, single submitter. Criteria: Invitae Variant Classification Sherloc (09022015). Collection method: clinical testing. Allele origin: germline.
Comment: This sequence change replaces glutamine, which is neutral and polar, with histidine, which is basic and polar, at codon 487 of the IL23R protein (p.Gln487His). This variant is present in population databases (rs139858085, gnomAD 0.06%), and has an allele count higher than expected for a pathogenic variant. This variant has not been reported in the literature in individuals affected with IL23R-related conditions. ClinVar contains an entry for this variant (Variation ID: 1430313). An algorithm developed to predict the effect of missense changes on protein structure and function (PolyPhen-2) suggests that this variant is likely to be disruptive. In summary, the available evidence is currently insufficient to determine the role of this variant in disease. Therefore, it has been classified as a Variant of Uncertain Significance.

NM_144701.3(IL23R):c.1461A>C (p.Gln487His)

Gene: IL23R (interleukin 23 receptor; plus strand). Cytogenetic location: 1p31.3.
Variant type: single nucleotide variant.
Coding change: c.1461A>C on transcript NM_144701.3 (MANE Select); coding-DNA position 1461, A replaced by C.
Protein change: p.Gln487His; replaces glutamine 487 with histidine.
Molecular consequence: missense variant.
Genome position (GRCh38, 1-based): chr1:67,258,699, A>C. VCF-style: chr1-67258699-A-C. GRCh37 (hg19) VCF-style: chr1-67724382-A-C.
Other names: short protein forms Q487H.
Identifiers: ClinVar variation 1430313 (VCV001430313.6), dbSNP rs139858085, ClinGen allele CA900022.